The following is an entry in ClinVar:

NM_020928.2(ZSWIM6):c.719C>T (p.Ser240Leu)

Gene: ZSWIM6 (zinc finger SWIM-type containing 6; plus strand). Cytogenetic location: 5q12.1.
Variant type: single nucleotide variant.
Coding change: c.719C>T on transcript NM_020928.2 (MANE Select); coding-DNA position 719, C replaced by T.
Protein change: p.Ser240Leu; replaces serine 240 with leucine.
Molecular consequence: missense variant.
Genome position (GRCh38, 1-based): chr5:61,472,723, C>T. VCF-style: chr5-61472723-C-T. GRCh37 (hg19) VCF-style: chr5-60768550-C-T.
Other names: short protein forms S240L.
Identifiers: ClinVar variation 3990602 (VCV003990602.2).

ClinVar aggregate classification (germline): Uncertain significance. Review status: criteria provided, multiple submitters, no conflicts (2 of 4 stars). 2 submissions from 2 submitters: Uncertain significance (2). Last evaluated 2025-10-26.

Conditions:
Inborn genetic diseases. Identifiers: MedGen C0950123, MeSH D030342.

Submissions (2):

Labcorp Genetics (formerly Invitae), Labcorp
Classification: Uncertain significance. Last evaluated: 2025-10-26. Review status: criteria provided, single submitter. Criteria: Invitae Variant Classification Sherloc (09022015). Collection method: clinical testing. Allele origin: germline.
Comment: This sequence change replaces serine, which is neutral and polar, with leucine, which is neutral and non-polar, at codon 240 of the ZSWIM6 protein (p.Ser240Leu). This variant is present in population databases (rs768063940, gnomAD 0.04%). This variant has not been reported in the literature in individuals affected with ZSWIM6-related conditions. ClinVar contains an entry for this variant (Variation ID: 3990602). Invitae Evidence Modeling of protein sequence and biophysical properties (such as structural, functional, and spatial information, amino acid conservation, physicochemical variation, residue mobility, and thermodynamic stability) indicates that this missense variant is not expected to disrupt ZSWIM6 protein function with a negative predictive value of 80%. In summary, the available evidence is currently insufficient to determine the role of this variant in disease. Therefore, it has been classified as a Variant of Uncertain Significance.

Ambry Genetics
Classification: Uncertain significance for Inborn genetic diseases. Last evaluated: 2025-04-03. Review status: criteria provided, single submitter. Criteria: Ambry Variant Classification Scheme 2023. Collection method: clinical testing. Allele origin: germline.